The following is an entry in ClinVar:

ClinVar aggregate classification (germline): Uncertain significance (1 of 4 stars; one submission).

Conditions:
Dilated cardiomyopathy 1R (CMD1R). Identifiers: Orphanet 154, Orphanet 54260, MedGen C3150681, MONDO:0013261, OMIM 613424.
Hypertrophic cardiomyopathy 11. Also called: ACTC1-Related Familial Hypertrophic Cardiomyopathy. Identifiers: MedGen C2677506, MONDO:0012799, OMIM 612098.
Atrial septal defect 5 (ASD5). Identifiers: Orphanet 1478, MedGen C2748552, MONDO:0013011, OMIM 612794.

Submission:

Labcorp Genetics (formerly Invitae), Labcorp
Classification: Uncertain significance for Dilated cardiomyopathy 1R; Hypertrophic cardiomyopathy 11; Atrial septal defect 5. Last evaluated: 2021-03-22. Review status: criteria provided, single submitter. Criteria: Invitae Variant Classification Sherloc (09022015). Collection method: clinical testing. Allele origin: germline.
Comment: Algorithms developed to predict the effect of missense changes on protein structure and function are either unavailable or do not agree on the potential impact of this missense change (SIFT: "Deleterious"; PolyPhen-2: "Benign"; Align-GVGD: "Class C65"). In summary, the available evidence is currently insufficient to determine the role of this variant in disease. Therefore, it has been classified as a Variant of Uncertain Significance. This sequence change replaces aspartic acid with alanine at codon 189 of the ACTC1 protein (p.Asp189Ala). The aspartic acid residue is highly conserved and there is a moderate physicochemical difference between aspartic acid and alanine. This variant is not present in population databases (ExAC no frequency). This variant has not been reported in the literature in individuals with ACTC1-related conditions.

NM_005159.5(ACTC1):c.566A>C (p.Asp189Ala)

Genes: GJD2-DT (GJD2 divergent transcript; plus strand), ACTC1 (actin alpha cardiac muscle 1; minus strand). Cytogenetic location: 15q14.
Variant type: single nucleotide variant.
Coding change: c.566A>C on transcript NM_005159.5 (MANE Select); coding-DNA position 566, A replaced by C.
Protein change: p.Asp189Ala; replaces aspartic acid 189 with alanine.
Molecular consequence: missense variant.
Genome position (GRCh38, 1-based): chr15:34,792,458, T>G on the plus strand (A>C on the coding strand, the complement: ACTC1 is on the minus strand). VCF-style: chr15-34792458-T-G. GRCh37 (hg19) VCF-style: chr15-35084659-T-G.
Other names: short protein forms D189A.
Identifiers: ClinVar variation 1352174 (VCV001352174.8), dbSNP rs2140430890, ClinGen allele CA391630957.